The following is an entry in ClinVar:

ClinVar aggregate classification (germline): Uncertain significance. Review status: criteria provided, multiple submitters, no conflicts (2 of 4 stars). 2 submissions from 2 submitters: Uncertain significance (2). Last evaluated 2022-10-17.

Conditions:
Neurodevelopmental disorder and structural brain anomalies with or without seizures and spasticity. Identifiers: MedGen C5394423, MONDO:0030046, OMIM 618890.

Allele frequency attached by ClinVar (database versions not stated): gnomAD exomes 0.00005 and 0.00015; ExAC 0.00008; ESP Exome Variant Server 0.00008; gnomAD 0.00018.
gnomAD v4.1: 105 of 1,589,248 alleles (0.0066%); highest among the groups gnomAD compares: Admixed American, 0.076%; no homozygotes.

Submissions (2):

Labcorp Genetics (formerly Invitae), Labcorp
Classification: Uncertain significance. Last evaluated: 2022-10-17. Review status: criteria provided, single submitter. Criteria: Invitae Variant Classification Sherloc (09022015). Collection method: clinical testing. Allele origin: germline.
Comment: This sequence change replaces glycine, which is neutral and non-polar, with arginine, which is basic and polar, at codon 927 of the PTPN23 protein (p.Gly927Arg). This variant is present in population databases (rs142297724, gnomAD 0.1%). This variant has not been reported in the literature in individuals affected with PTPN23-related conditions. ClinVar contains an entry for this variant (Variation ID: 1098664). Algorithms developed to predict the effect of missense changes on protein structure and function are either unavailable or do not agree on the potential impact of this missense change (SIFT: "Tolerated"; PolyPhen-2: "Not Available"; Align-GVGD: "Class C0"). In summary, the available evidence is currently insufficient to determine the role of this variant in disease. Therefore, it has been classified as a Variant of Uncertain Significance.

New York Genome Center
Classification: Uncertain significance for Neurodevelopmental disorder and structural brain anomalies with or without seizures and spasticity. Last evaluated: 2020-06-18. Review status: criteria provided, single submitter. Criteria: NYGC Assertion Criteria 2020. Collection method: clinical testing. Allele origin: inherited. Observed: 1 heterozygote. Study: CSER-NYCKidSeq.

NM_015466.4(PTPN23):c.2779G>A (p.Gly927Arg)

Gene: PTPN23 (protein tyrosine phosphatase non-receptor type 23; plus strand). Cytogenetic location: 3p21.31.
Variant type: single nucleotide variant.
Coding change: c.2779G>A on transcript NM_015466.4 (MANE Select); coding-DNA position 2779, G replaced by A.
Protein change: p.Gly927Arg; replaces glycine 927 with arginine.
Molecular consequence: missense variant.
Genome position (GRCh38, 1-based): chr3:47,410,577, G>A. VCF-style: chr3-47410577-G-A. GRCh37 (hg19) VCF-style: chr3-47452067-G-A.
Other names: c.2401G>A, p.Gly801Arg (NM_001304482.2); short protein forms G801R, G927R.
Identifiers: ClinVar variation 1098664 (VCV001098664.6), dbSNP rs142297724, ClinGen allele CA2366123.